The following is an entry in ClinVar:

ClinVar aggregate classification (germline): Uncertain significance. Review status: criteria provided, multiple submitters, no conflicts (2 of 4 stars). 2 submissions from 2 submitters: Uncertain significance (2). Last evaluated 2026-01-09.

Conditions:
Brugada syndrome 8 (BRGDA8). Identifiers: Orphanet 130, MedGen C2751083, MONDO:0013148, OMIM 613123.
Cardiovascular phenotype. Identifiers: MedGen CN230736.

gnomAD v4.1: 1 of 1,613,992 alleles (0.000062%); highest among the groups gnomAD compares: Non-Finnish European, 0.000085%; no homozygotes.

Submissions (2):

Ambry Genetics
Classification: Uncertain significance for Cardiovascular phenotype. Last evaluated: 2026-01-09. Review status: criteria provided, single submitter. Criteria: Ambry Variant Classification Scheme 2023. Collection method: clinical testing. Allele origin: germline.

Labcorp Genetics (formerly Invitae), Labcorp
Classification: Uncertain significance for Brugada syndrome 8. Last evaluated: 2025-09-16. Review status: criteria provided, single submitter. Criteria: Invitae Variant Classification Sherloc (09022015). Collection method: clinical testing. Allele origin: germline.
Comment: This sequence change replaces serine, which is neutral and polar, with cysteine, which is neutral and slightly polar, at codon 466 of the HCN4 protein (p.Ser466Cys). This variant is not present in population databases (gnomAD no frequency). This variant has not been reported in the literature in individuals affected with HCN4-related conditions. Invitae Evidence Modeling of protein sequence and biophysical properties (such as structural, functional, and spatial information, amino acid conservation, physicochemical variation, residue mobility, and thermodynamic stability) has been performed for this missense variant. However, the output from this modeling did not meet the statistical confidence thresholds required to predict the impact of this variant on HCN4 protein function. In summary, the available evidence is currently insufficient to determine the role of this variant in disease. Therefore, it has been classified as a Variant of Uncertain Significance.

NM_005477.3(HCN4):c.1397C>G (p.Ser466Cys)

Gene: HCN4 (hyperpolarization activated cyclic nucleotide gated potassium channel 4; minus strand). Cytogenetic location: 15q24.1.
Variant type: single nucleotide variant.
Coding change: c.1397C>G on transcript NM_005477.3 (MANE Select); coding-DNA position 1397, C replaced by G.
Protein change: p.Ser466Cys; replaces serine 466 with cysteine.
Molecular consequence: missense variant.
Genome position (GRCh38, 1-based): chr15:73,329,766, G>C on the plus strand (C>G on the coding strand, the complement: HCN4 is on the minus strand). VCF-style: chr15-73329766-G-C. GRCh37 (hg19) VCF-style: chr15-73622107-G-C.
Other names: short protein forms S466C.
Identifiers: ClinVar variation 4614260 (VCV004614260.3).